The following is an entry in ClinVar:

ClinVar aggregate classification (germline): Uncertain significance. Review status: criteria provided, multiple submitters, no conflicts (2 of 4 stars). 2 submissions from 2 submitters: Uncertain significance (2). Last evaluated 2024-02-01.

Conditions:
Hypertrophic cardiomyopathy. Also called: HYPERTROPHIC MYOCARDIOPATHY. Identifiers: Orphanet 217569, MedGen C0007194, MeSH D002312, MONDO:0005045, HP:0001639.

Submissions (2):

GeneDx
Classification: Uncertain significance. Last evaluated: 2024-02-01. Review status: criteria provided, single submitter. Criteria: GeneDx Variant Classification Process June 2021. Collection method: clinical testing. Allele origin: germline. Affected: yes.
Comment: Not observed at significant frequency in large population cohorts (gnomAD); In silico analysis supports that this missense variant has a deleterious effect on protein structure/function; Has not been previously published as pathogenic or benign to our knowledge

Labcorp Genetics (formerly Invitae), Labcorp
Classification: Uncertain significance for Hypertrophic cardiomyopathy. Last evaluated: 2022-02-18. Review status: criteria provided, single submitter. Criteria: Invitae Variant Classification Sherloc (09022015). Collection method: clinical testing. Allele origin: germline.
Comment: In summary, the available evidence is currently insufficient to determine the role of this variant in disease. Therefore, it has been classified as a Variant of Uncertain Significance. Algorithms developed to predict the effect of missense changes on protein structure and function are either unavailable or do not agree on the potential impact of this missense change (SIFT: "Tolerated"; PolyPhen-2: "Possibly Damaging"; Align-GVGD: "Class C0"). This variant has not been reported in the literature in individuals affected with MYBPC3-related conditions. This variant is not present in population databases (gnomAD no frequency). This sequence change replaces asparagine, which is neutral and polar, with aspartic acid, which is acidic and polar, at codon 572 of the MYBPC3 protein (p.Asn572Asp).

NM_000256.3(MYBPC3):c.1714A>G (p.Asn572Asp)

Gene: MYBPC3 (myosin binding protein C3; minus strand). Cytogenetic location: 11p11.2.
Variant type: single nucleotide variant.
Coding change: c.1714A>G on transcript NM_000256.3 (MANE Select); coding-DNA position 1714, A replaced by G.
Protein change: p.Asn572Asp; replaces asparagine 572 with aspartic acid.
Molecular consequence: missense variant.
Genome position (GRCh38, 1-based): chr11:47,342,067, T>C on the plus strand (A>G on the coding strand, the complement: MYBPC3 is on the minus strand). VCF-style: chr11-47342067-T-C. GRCh37 (hg19) VCF-style: chr11-47363618-T-C.
Other names: short protein forms N572D.
Identifiers: ClinVar variation 2098433 (VCV002098433.5), dbSNP rs2495761286, ClinGen allele CA380324310.